The following is an entry in ClinVar:

ClinVar aggregate classification (germline): Uncertain significance (1 of 4 stars; one submission).

Conditions:
Idiopathic generalized epilepsy. Also called: Generalised epilepsy; EIG. Identifiers: MedGen C0270850, MONDO:0005579, OMIM 600669.

Allele frequency attached by ClinVar (database versions not stated): gnomAD 0.00001; gnomAD exomes 0.00001; TOPMed 0.00001.
gnomAD v4.1: 54 of 1,546,802 alleles (0.0035%); highest among the groups gnomAD compares: Non-Finnish European, 0.0047%; no homozygotes.

Submission:

Labcorp Genetics (formerly Invitae), Labcorp
Classification: Uncertain significance for Idiopathic generalized epilepsy. Last evaluated: 2025-06-24. Review status: criteria provided, single submitter. Criteria: Invitae Variant Classification Sherloc (09022015). Collection method: clinical testing. Allele origin: germline.
Comment: This sequence change replaces alanine, which is neutral and non-polar, with threonine, which is neutral and polar, at codon 240 of the RBFOX3 protein (p.Ala240Thr). This variant is present in population databases (no rsID available, gnomAD 0.004%). This variant has not been reported in the literature in individuals affected with RBFOX3-related conditions. ClinVar contains an entry for this variant (Variation ID: 840245). Invitae Evidence Modeling of protein sequence and biophysical properties (such as structural, functional, and spatial information, amino acid conservation, physicochemical variation, residue mobility, and thermodynamic stability) indicates that this missense variant is not expected to disrupt RBFOX3 protein function with a negative predictive value of 80%. In summary, the available evidence is currently insufficient to determine the role of this variant in disease. Therefore, it has been classified as a Variant of Uncertain Significance.

NM_001350451.2(RBFOX3):c.718G>A (p.Ala240Thr)

Gene: RBFOX3 (RNA binding fox-1 homolog 3; minus strand). Cytogenetic location: 17q25.3.
Variant type: single nucleotide variant.
Coding change: c.718G>A on transcript NM_001350451.2 (MANE Select); coding-DNA position 718, G replaced by A.
Protein change: p.Ala240Thr; replaces alanine 240 with threonine.
Molecular consequence: missense variant.
Genome position (GRCh38, 1-based): chr17:79,097,329, C>T on the plus strand (G>A on the coding strand, the complement: RBFOX3 is on the minus strand). VCF-style: chr17-79097329-C-T. GRCh37 (hg19) VCF-style: chr17-77093411-C-T.
Other names: c.718G>A, p.Ala240Thr (NM_001082575.3, NM_001350453.2, NM_001385804.1 and 33 more transcripts); c.715G>A, p.Ala239Thr (NM_001385806.1, NM_001385822.1, NM_001385823.1 and 4 more transcripts); c.625G>A, p.Ala209Thr (NM_001385824.1); c.739G>A, p.Ala247Thr (NM_001385827.1); c.571G>A, p.Ala191Thr (NM_001385847.1); short protein forms A240T, A191T, A209T, A239T, A247T.
Identifiers: ClinVar variation 840245 (VCV000840245.9), dbSNP rs1381383669, ClinGen allele CA401316428.